The following is an entry in ClinVar:

NM_001164508.2(NEB):c.452A>G (p.Asp151Gly)

Gene: NEB (nebulin; minus strand). Cytogenetic location: 2q23.3.
Variant type: single nucleotide variant.
Coding change: c.452A>G on transcript NM_001164508.2 (MANE Select); coding-DNA position 452, A replaced by G.
Protein change: p.Asp151Gly; replaces aspartic acid 151 with glycine.
Molecular consequence: missense variant.
Genome position (GRCh38, 1-based): chr2:151,724,912, T>C on the plus strand (A>G on the coding strand, the complement: NEB is on the minus strand). VCF-style: chr2-151724912-T-C. GRCh37 (hg19) VCF-style: chr2-152581426-T-C.
Other names: c.452A>G, p.Asp151Gly (NM_001164507.2, NM_001271208.2, NM_004543.5); short protein forms D151G.
Identifiers: ClinVar variation 1959642 (VCV001959642.2), dbSNP rs2099785772, ClinGen allele CA348792769.

ClinVar aggregate classification (germline): Uncertain significance (1 of 4 stars; one submission).

Conditions:
Nemaline myopathy 2 (NEM2). Also called: Nemaline myopathy 2, autosomal recessive. Identifiers: MedGen C1850569, MONDO:0009725, OMIM 256030.

Submission:

Labcorp Genetics (formerly Invitae), Labcorp
Classification: Uncertain significance for Nemaline myopathy 2. Last evaluated: 2021-07-12. Review status: criteria provided, single submitter. Criteria: Invitae Variant Classification Sherloc (09022015). Collection method: clinical testing. Allele origin: germline.
Comment: This sequence change replaces aspartic acid with glycine at codon 151 of the NEB protein (p.Asp151Gly). The aspartic acid residue is highly conserved and there is a moderate physicochemical difference between aspartic acid and glycine. This variant is not present in population databases (ExAC no frequency). This variant has not been reported in the literature in individuals affected with NEB-related conditions. Algorithms developed to predict the effect of missense changes on protein structure and function are either unavailable or do not agree on the potential impact of this missense change (SIFT: "Deleterious"; PolyPhen-2: "Not Available"; Align-GVGD: "Class C15"). Algorithms developed to predict the effect of sequence changes on RNA splicing suggest that this variant may create or strengthen a splice site. In summary, the available evidence is currently insufficient to determine the role of this variant in disease. Therefore, it has been classified as a Variant of Uncertain Significance.